The following is an entry in ClinVar:

ClinVar aggregate classification (germline): Uncertain significance (1 of 4 stars; one submission).

Allele frequency attached by ClinVar (database versions not stated): TOPMed below 0.00001; gnomAD exomes 0.00001; ExAC 0.00002; ESP Exome Variant Server 0.00008.
gnomAD v4.1: 16 of 1,559,450 alleles (0.001%); highest among the groups gnomAD compares: Non-Finnish European, 0.0013%; no homozygotes.

Submission:

Labcorp Genetics (formerly Invitae), Labcorp
Classification: Uncertain significance. Last evaluated: 2023-03-29. Review status: criteria provided, single submitter. Criteria: Invitae Variant Classification Sherloc (09022015). Collection method: clinical testing. Allele origin: germline.
Comment: This sequence change affects codon 242 of the RFWD3 mRNA. It is a 'silent' change, meaning that it does not change the encoded amino acid sequence of the RFWD3 protein. This variant is present in population databases (rs149834080, gnomAD 0.003%). This variant has not been reported in the literature in individuals affected with RFWD3-related conditions. Algorithms developed to predict the effect of sequence changes on RNA splicing suggest that this variant may create or strengthen a splice site. In summary, the available evidence is currently insufficient to determine the role of this variant in disease. Therefore, it has been classified as a Variant of Uncertain Significance.

NM_018124.4(RFWD3):c.726A>G (p.Gln242=)

Gene: RFWD3 (ring finger and WD repeat domain 3; minus strand). Cytogenetic location: 16q23.1.
Variant type: single nucleotide variant.
Coding change: c.726A>G on transcript NM_018124.4 (MANE Select); coding-DNA position 726, A replaced by G.
Protein change: p.Gln242=; no amino-acid change (glutamine 242 retained).
Molecular consequence: synonymous variant. On other transcripts: 5 prime UTR variant (3), intron variant (2).
Genome position (GRCh38, 1-based): chr16:74,649,198, T>C on the plus strand (A>G on the coding strand, the complement: RFWD3 is on the minus strand). VCF-style: chr16-74649198-T-C. GRCh37 (hg19) VCF-style: chr16-74683096-T-C.
Other names: c.726A>G, p.Gln242= (NM_001370534.1, NM_001370535.1, NM_001370536.1); c.-283A>G (NM_001370537.1); c.-109A>G (NM_001370539.1, NM_001370540.1, NM_001370541.1); c.-43+2722A>G (NM_001370543.1); c.-164-120A>G (NM_001370542.1).
Identifiers: ClinVar variation 2805991 (VCV002805991.3), dbSNP rs149834080, ClinGen allele CA8169465.